The following is an entry in ClinVar:

NM_002858.4(ABCD3):c.1222C>T (p.Arg408Cys)

Gene: ABCD3 (ATP binding cassette subfamily D member 3; plus strand). Cytogenetic location: 1p21.3.
Variant type: single nucleotide variant.
Coding change: c.1222C>T on transcript NM_002858.4 (MANE Select); coding-DNA position 1222, C replaced by T.
Protein change: p.Arg408Cys; replaces arginine 408 with cysteine.
Molecular consequence: missense variant.
Genome position (GRCh38, 1-based): chr1:94,489,789, C>T. VCF-style: chr1-94489789-C-T. GRCh37 (hg19) VCF-style: chr1-94955345-C-T.
Other names: short protein forms R408C.
Identifiers: ClinVar variation 2883619 (VCV002883619.3), dbSNP rs2525329350, ClinGen allele CA341304167.

ClinVar aggregate classification (germline): Uncertain significance (1 of 4 stars; one submission).

Allele frequency attached by ClinVar (database versions not stated): gnomAD exomes below 0.00001.
gnomAD v4.1: 1 of 1,613,106 alleles (0.000062%); highest among the groups gnomAD compares: Non-Finnish European, 0.000085%; no homozygotes.

Submission:

Labcorp Genetics (formerly Invitae), Labcorp
Classification: Uncertain significance. Last evaluated: 2023-07-08. Review status: criteria provided, single submitter. Criteria: Invitae Variant Classification Sherloc (09022015). Collection method: clinical testing. Allele origin: germline.
Comment: This sequence change replaces arginine, which is basic and polar, with cysteine, which is neutral and slightly polar, at codon 408 of the ABCD3 protein (p.Arg408Cys). In summary, the available evidence is currently insufficient to determine the role of this variant in disease. Therefore, it has been classified as a Variant of Uncertain Significance. An algorithm developed to predict the effect of missense changes on protein structure and function (PolyPhen-2) suggests that this variant is likely to be disruptive. This variant has not been reported in the literature in individuals affected with ABCD3-related conditions. This variant is not present in population databases (gnomAD no frequency).